The following is an entry in ClinVar:

NM_007194.4(CHEK2):c.951del (p.Lys317fs)

Gene: CHEK2 (checkpoint kinase 2; minus strand). Cytogenetic location: 22q12.1.
Variant type: Deletion.
Coding change: c.951del on transcript NM_007194.4 (MANE Select); coding-DNA position 951, one base deleted (A; older notation c.951delA).
Protein change: p.Lys317fs; shifts the reading frame from lysine 317.
Molecular consequence: frameshift variant.
Genome position (GRCh38, 1-based): chr22:28,699,895, T deleted on the plus strand (A on the coding strand, the reverse complement: CHEK2 is on the minus strand); the first of 3 consecutive T bases (chr22:28,699,895-28,699,897); deleting any one gives the same sequence. VCF-style (leftmost placement, unchanged base first): chr22-28699894-GT-G. GRCh37 (hg19) VCF-style: chr22-29095882-GT-G.
Other names: c.1078delA, p.Lys360Asnfs (NM_001005735.3); c.286delA, p.Lys96Asnfs (NM_001257387.3); c.748delA, p.Lys250Asnfs (NM_001349956.3); c.949delA, p.Lys317Asnfs (NM_145862.3); short protein forms K250fs, K317fs, K360fs, K96fs.
Identifiers: ClinVar variation 3723012 (VCV003723012.2).

ClinVar aggregate classification (germline): Pathogenic (1 of 4 stars; one submission).

Conditions:
Familial cancer of breast. Also called: Hereditary breast cancer; BREAST CANCER, FAMILIAL; hereditary breast carcinoma. Identifiers: Orphanet 227535, MedGen C0346153, MONDO:0016419, OMIM 114480. Disease mechanism: loss of function.

Submission:

Labcorp Genetics (formerly Invitae), Labcorp
Classification: Pathogenic for Familial cancer of breast. Last evaluated: 2024-10-16. Review status: criteria provided, single submitter. Criteria: Invitae Variant Classification Sherloc (09022015). Collection method: clinical testing. Allele origin: germline.
Comment: This sequence change creates a premature translational stop signal (p.Lys317Asnfs*3) in the CHEK2 gene. It is expected to result in an absent or disrupted protein product. Loss-of-function variants in CHEK2 are known to be pathogenic (PMID: 21876083, 24713400). This variant is not present in population databases (gnomAD no frequency). This variant has not been reported in the literature in individuals affected with CHEK2-related conditions. For these reasons, this variant has been classified as Pathogenic.

Literature cited by the submitters: PubMed 21876083; PubMed 24713400.